The following is an entry in ClinVar:

NM_017780.4(CHD7):c.238A>G (p.Met80Val)

Gene: CHD7 (chromodomain helicase DNA binding protein 7; plus strand). Cytogenetic location: 8q12.2.
Variant type: single nucleotide variant.
Coding change: c.238A>G on transcript NM_017780.4 (MANE Select); coding-DNA position 238, A replaced by G.
Protein change: p.Met80Val; replaces methionine 80 with valine.
Molecular consequence: missense variant.
Genome position (GRCh38, 1-based): chr8:60,741,670, A>G. VCF-style: chr8-60741670-A-G. GRCh37 (hg19) VCF-style: chr8-61654229-A-G.
Other names: c.238A>G, p.Met80Val (NM_001316690.1); short protein forms M80V.
Identifiers: ClinVar variation 1710453 (VCV001710453.4), dbSNP rs753270420, ClinGen allele CA371296676.

ClinVar aggregate classification (germline): Uncertain significance. Review status: criteria provided, multiple submitters, no conflicts (2 of 4 stars). 2 submissions from 2 submitters: Uncertain significance (2). Last evaluated 2025-10-08.

Conditions:
CHARGE syndrome (CHARGE). Also called: Coloboma, heart anomaly, choanal atresia, retardation, genital and ear anomalies; CHARGE association; Hall-Hittner syndrome; Hittner Hirsch Kreh syndrome; CHARGE ASSOCIATION--COLOBOMA, HEART ANOMALY, CHOANAL ATRESIA, RETARDATION, GENITAL AND EAR ANOMALIES. Identifiers: Orphanet 138, MedGen C0265354, MONDO:0008965.

gnomAD v4.1: 5 of 1,613,880 alleles (0.00031%); highest among the groups gnomAD compares: African/African-American, 0.0053%; no homozygotes.

Submissions (2):

Labcorp Genetics (formerly Invitae), Labcorp
Classification: Uncertain significance for CHARGE syndrome. Last evaluated: 2025-10-08. Review status: criteria provided, single submitter. Criteria: Invitae Variant Classification Sherloc (09022015). Collection method: clinical testing. Allele origin: germline.
Comment: This sequence change replaces methionine, which is neutral and non-polar, with valine, which is neutral and non-polar, at codon 80 of the CHD7 protein (p.Met80Val). This variant is not present in population databases (gnomAD no frequency). This variant has not been reported in the literature in individuals affected with CHD7-related conditions. ClinVar contains an entry for this variant (Variation ID: 1710453). Invitae Evidence Modeling of protein sequence and biophysical properties (such as structural, functional, and spatial information, amino acid conservation, physicochemical variation, residue mobility, and thermodynamic stability) indicates that this missense variant is not expected to disrupt CHD7 protein function with a negative predictive value of 95%. In summary, the available evidence is currently insufficient to determine the role of this variant in disease. Therefore, it has been classified as a Variant of Uncertain Significance.

Greenwood Genetic Center Diagnostic Laboratories, Greenwood Genetic Center
Classification: Uncertain significance. Last evaluated: 2022-07-26. Review status: criteria provided, single submitter. Criteria: ACMG Guidelines, 2015. Collection method: clinical testing. Allele origin: germline. Affected: yes.
Comment: PM2 PP2